The following is an entry in ClinVar:

ClinVar aggregate classification (germline): Uncertain significance (1 of 4 stars; one submission).

Submission:

Labcorp Genetics (formerly Invitae), Labcorp
Classification: Uncertain significance. Last evaluated: 2022-03-28. Review status: criteria provided, single submitter. Criteria: Invitae Variant Classification Sherloc (09022015). Collection method: clinical testing. Allele origin: germline.
Comment: In summary, the available evidence is currently insufficient to determine the role of this variant in disease. Therefore, it has been classified as a Variant of Uncertain Significance. Algorithms developed to predict the effect of missense changes on protein structure and function are either unavailable or do not agree on the potential impact of this missense change (SIFT: "Deleterious"; PolyPhen-2: "Probably Damaging"; Align-GVGD: "Class C0"). This variant has not been reported in the literature in individuals affected with LMX1B-related conditions. This variant is not present in population databases (gnomAD no frequency). This sequence change replaces glutamic acid, which is acidic and polar, with aspartic acid, which is acidic and polar, at codon 155 of the LMX1B protein (p.Glu155Asp).

NM_001174147.2(LMX1B):c.465A>C (p.Glu155Asp)

Gene: LMX1B (LIM homeobox transcription factor 1 beta; plus strand). Cytogenetic location: 9q33.3.
Variant type: single nucleotide variant.
Coding change: c.465A>C on transcript NM_001174147.2 (MANE Select); coding-DNA position 465, A replaced by C.
Protein change: p.Glu155Asp; replaces glutamic acid 155 with aspartic acid.
Molecular consequence: missense variant.
Genome position (GRCh38, 1-based): chr9:126,690,974, A>C. VCF-style: chr9-126690974-A-C. GRCh37 (hg19) VCF-style: chr9-129453253-A-C.
Other names: c.465A>C, p.Glu155Asp (NM_001174146.2, NM_002316.4); short protein forms E155D.
Identifiers: ClinVar variation 2088839 (VCV002088839.4), dbSNP rs2490682808, ClinGen allele CA374912585.